The following is an entry in ClinVar:

ClinVar aggregate classification (germline): Pathogenic (1 of 4 stars; one submission).

Submission:

Labcorp Genetics (formerly Invitae), Labcorp
Classification: Pathogenic. Last evaluated: 2024-11-11. Review status: criteria provided, single submitter. Criteria: Invitae Variant Classification Sherloc (09022015). Collection method: clinical testing. Allele origin: germline.
Comment: This sequence change creates a premature translational stop signal (p.Glu453*) in the ROR2 gene. While this is not anticipated to result in nonsense mediated decay, it is expected to disrupt the last 491 amino acid(s) of the ROR2 protein. This variant is not present in population databases (gnomAD no frequency). This variant has not been reported in the literature in individuals affected with ROR2-related conditions. Algorithms developed to predict the effect of sequence changes on RNA splicing suggest that this variant may disrupt the consensus splice site. This variant disrupts a region of the ROR2 protein in which other variant(s) (p.Trp720*) have been determined to be pathogenic (PMID: 10932187). This suggests that this is a clinically significant region of the protein, and that variants that disrupt it are likely to be disease-causing. For these reasons, this variant has been classified as Pathogenic.

Literature cited by the submitters: PubMed 10932187.

NM_004560.4(ROR2):c.1357G>T (p.Glu453Ter)

Gene: ROR2 (receptor tyrosine kinase like orphan receptor 2; minus strand). Cytogenetic location: 9q22.31.
Variant type: single nucleotide variant.
Coding change: c.1357G>T on transcript NM_004560.4 (MANE Select); coding-DNA position 1357, G replaced by T.
Protein change: p.Glu453Ter; replaces glutamic acid 453 with a stop codon.
Molecular consequence: nonsense. On other transcripts: 3 prime UTR variant (1).
Genome position (GRCh38, 1-based): chr9:91,726,570, C>A on the plus strand (G>T on the coding strand, the complement: ROR2 is on the minus strand). VCF-style: chr9-91726570-C-A. GRCh37 (hg19) VCF-style: chr9-94488852-C-A.
Other names: c.*24G>T (NM_001318204.2); short protein forms E453*.
Identifiers: ClinVar variation 3724683 (VCV003724683.2).
Genomic context (GRCh38, chr9:91,726,570, plus strand): 5'-CACCCGGGTAGAAAATGTAAGGCATGGAGACCTGTTTGTGCTGGTTAATGAGGGGCATTT[C>A]CATGTCTTGGCTGGGCGAGGCCATCAGCTGTCGCCGCTGCGGTGTGGACGCAGATGCCTT-3'